The following is an entry in ClinVar:

NM_004260.4(RECQL4):c.1395G>A (p.Thr465=)

Gene: RECQL4 (RecQ like helicase 4; minus strand). Cytogenetic location: 8q24.3.
Variant type: single nucleotide variant.
Coding change: c.1395G>A on transcript NM_004260.4 (MANE Select); coding-DNA position 1395, G replaced by A.
Protein change: p.Thr465=; no amino-acid change (threonine 465 retained).
Molecular consequence: synonymous variant.
Genome position (GRCh38, 1-based): chr8:144,515,238, C>T on the plus strand (G>A on the coding strand, the complement: RECQL4 is on the minus strand). VCF-style: chr8-144515238-C-T. GRCh37 (hg19) VCF-style: chr8-145740622-C-T.
Other names: p.Thr465=.
Identifiers: ClinVar variation 198789 (VCV000198789.63), dbSNP rs34948955, ClinGen allele CA203608.

ClinVar aggregate classification (germline): Benign/Likely benign. Review status: criteria provided, multiple submitters, no conflicts (2 of 4 stars). 11 submissions from 11 submitters: Benign (6); Likely benign (5). Last evaluated 2026-09-01.

Conditions:
Rothmund-Thomson syndrome type 2 (RTS2). Identifiers: Orphanet 221016, MedGen C5203410, MONDO:0016369, OMIM 268400.
Inborn genetic diseases. Identifiers: MedGen C0950123, MeSH D030342.
Hereditary cancer-predisposing syndrome. Also called: Hereditary neoplastic syndrome; Tumor predisposition; Neoplastic Syndromes, Hereditary; Hereditary Cancer Syndrome. Identifiers: Orphanet 140162, MedGen C0027672, MeSH D009386, MONDO:0015356.
Baller-Gerold syndrome (BGS). Also called: CRANIOSYNOSTOSIS WITH RADIAL DEFECTS. Identifiers: Orphanet 1225, MedGen C0265308, MONDO:0009039, OMIM 218600.

Allele frequency attached by ClinVar (database versions not stated): 1000 Genomes Project 0.00160; 1000 Genomes Project 30x 0.00172; TOPMed 0.00477; gnomAD 0.00531 and 0.00557; gnomAD exomes 0.00542 and 0.00714; ESP Exome Variant Server 0.00589; ExAC 0.01165.
gnomAD v4.1: 11,011 of 1,591,106 alleles (0.69%); highest among the groups gnomAD compares: Non-Finnish European, 0.84%; 63 homozygotes.

Submissions (11):

CeGaT Center for Human Genetics Tuebingen
Classification: Likely benign. Last evaluated: 2026-09-01. Review status: criteria provided, single submitter. Criteria: CeGaT Center For Human Genetics Tuebingen Variant Classification Criteria Version 2. Collection method: clinical testing. Allele origin: germline. Affected: yes. Observed: 99 variant alleles.
Comment: RECQL4: BP4, BP7, BS2

Labcorp Genetics (formerly Invitae), Labcorp
Classification: Benign for Baller-Gerold syndrome. Last evaluated: 2026-02-02. Review status: criteria provided, single submitter. Criteria: Invitae Variant Classification Sherloc (09022015). Collection method: clinical testing. Allele origin: germline.

Mayo Clinic Laboratories, Mayo Clinic
Classification: Benign. Last evaluated: 2025-09-29. Review status: criteria provided, single submitter. Criteria: ACMG Guidelines, 2015. Collection method: clinical testing. Allele origin: germline. Observed: 2 variant alleles.
Comment: BS1, BS2, BP4, BP7

Blueprint Genetics
Classification: Benign. Last evaluated: 2024-11-27. Review status: criteria provided, single submitter. Criteria: ACMG Guidelines, 2015. Collection method: clinical testing. Allele origin: germline.

Ambry Genetics
Classification: Likely benign for Inborn genetic diseases. Last evaluated: 2024-10-02. Review status: criteria provided, single submitter. Criteria: Ambry Variant Classification Scheme 2023. Collection method: clinical testing. Allele origin: germline.

KCCC/NGS Laboratory, Kuwait Cancer Control Center
Classification: Benign for Rothmund-Thomson syndrome type 2. Last evaluated: 2023-07-07. Review status: criteria provided, single submitter. Criteria: ACMG Guidelines, 2015. Collection method: clinical testing. Allele origin: germline. Affected: yes.

Sema4
Classification: Likely benign for Hereditary cancer-predisposing syndrome. Last evaluated: 2021-05-21. Review status: criteria provided, single submitter. Criteria: Sema4 Curation Guidelines. Collection method: curation. Allele origin: germline.

Genetic Services Laboratory, University of Chicago
Classification: Benign. Last evaluated: 2021-02-18. Review status: criteria provided, single submitter. Criteria: ACMG Guidelines, 2015. Collection method: clinical testing. Allele origin: germline. Affected: no.

GeneDx
Classification: Likely benign. Last evaluated: 2021-02-10. Review status: criteria provided, single submitter. Criteria: GeneDx Variant Classification Process June 2021. Collection method: clinical testing. Allele origin: germline. Affected: yes.

Eurofins Ntd Llc (ga)
Classification: Benign. Last evaluated: 2015-04-08. Review status: criteria provided, single submitter. Criteria: EGL Classification Definitions 2015. Collection method: clinical testing. Allele origin: germline. Observed: 1 variant allele, 1 heterozygote.

Breakthrough Genomics
Classification: Likely benign. Review status: criteria provided, single submitter. Criteria: ACMG Guidelines, 2015. Collection method: not provided. Allele origin: germline. Inheritance: Autosomal recessive inheritance. Affected: yes.